The following is an entry in ClinVar:

ClinVar aggregate classification (germline): Conflicting classifications of pathogenicity. Review status: criteria provided, conflicting classifications (1 of 4 stars). 2 submissions from 2 submitters: Likely pathogenic (1); Uncertain significance (1). Last evaluated 2025-03-16.

Conditions:
Early-infantile DEE. Also called: Early infantile epileptic encephalopathy; Ohtahara syndrome; Early infantile epileptic encephalopathy with suppression bursts. Identifiers: Orphanet 1934, MedGen C0393706, MONDO:0800491.

Submissions (2):

Labcorp Genetics (formerly Invitae), Labcorp
Classification: Uncertain significance for Early-infantile DEE. Last evaluated: 2025-03-16. Review status: criteria provided, single submitter. Criteria: Invitae Variant Classification Sherloc (09022015). Collection method: clinical testing. Allele origin: germline.
Comment: This sequence change replaces leucine, which is neutral and non-polar, with serine, which is neutral and polar, at codon 1828 of the SCN1A protein (p.Leu1828Ser). This variant is not present in population databases (gnomAD no frequency). This missense change has been observed in individual(s) with clinical features of SCN1A-related conditions (PMID: 28837158, 33278787). ClinVar contains an entry for this variant (Variation ID: 429798). Invitae Evidence Modeling of protein sequence and biophysical properties (such as structural, functional, and spatial information, amino acid conservation, physicochemical variation, residue mobility, and thermodynamic stability) indicates that this missense variant is expected to disrupt SCN1A protein function with a positive predictive value of 95%. In summary, the available evidence is currently insufficient to determine the role of this variant in disease. Therefore, it has been classified as a Variant of Uncertain Significance.

GeneDx
Classification: Likely pathogenic. Last evaluated: 2016-06-02. Review status: criteria provided, single submitter. Criteria: GeneDx Variant Classification (06012015). Collection method: clinical testing. Allele origin: germline. Affected: yes.
Comment: The L1828S variant has not been published as a pathogenic variant, nor has it been reported as a benign variant to our knowledge. It was not observed in approximately 6,500 individuals of European and African American ancestry in the NHLBI Exome Sequencing Project, indicating it is not a common benign variant in these populations. The L1828S variant is a non-conservative amino acid substitution, which is likely to impact secondary protein structure as these residues differ in polarity, charge, size and/or other properties. This substitution occurs at a conserved position that is predicted to be within the C-terminal cytoplasmic domain. In silico analysis predicts this variant is probably damaging to the protein structure/function. Additionally, missense variants in nearby residues (F1831S and L1835F) have been reported in the Human Gene Mutation Database in association with SCN1A-related disorders (Stenson et al., 2014), supporting the functional importance of this region of the protein

Literature cited by the submitters: PubMed 28837158 (cited by Labcorp Genetics (formerly Invitae), Labcorp); PubMed 33278787 (cited by Labcorp Genetics (formerly Invitae), Labcorp).

NM_001165963.4(SCN1A):c.5483T>C (p.Leu1828Ser)

Genes: SCN1A (sodium voltage-gated channel alpha subunit 1; minus strand), LOC102724058 (uncharacterized LOC102724058; plus strand). Cytogenetic location: 2q24.3.
Variant type: single nucleotide variant.
Coding change: c.5483T>C on transcript NM_001165963.4 (MANE Select); coding-DNA position 5483, T replaced by C.
Protein change: p.Leu1828Ser; replaces leucine 1828 with serine.
Molecular consequence: missense variant. On other transcripts: non-coding transcript variant (1).
Genome position (GRCh38, 1-based): chr2:165,991,792, A>G on the plus strand (T>C on the coding strand, the complement: SCN1A is on the minus strand). VCF-style: chr2-165991792-A-G. GRCh37 (hg19) VCF-style: chr2-166848302-A-G.
Other names: c.5399T>C, p.Leu1800Ser (NM_001165964.3, NM_001353957.2, NM_001353958.2); c.5483T>C, p.Leu1828Ser (NM_001202435.3, NM_001353948.2); c.5450T>C, p.Leu1817Ser (NM_001353949.2, NM_001353950.2, NM_001353951.2 and 2 more transcripts); c.5447T>C, p.Leu1816Ser (NM_001353954.2, NM_001353955.2); c.5396T>C, p.Leu1799Ser (NM_001353960.2); c.3041T>C, p.Leu1014Ser (NM_001353961.2); short protein forms L1817S, L1828S, L1014S, L1799S, L1800S, L1816S.
Identifiers: ClinVar variation 429798 (VCV000429798.3), dbSNP rs1131691599, ClinGen allele CA349065860.